The following is an entry in ClinVar:

NM_004937.3(CTNS):c.1A>G (p.Met1Val)

Gene: CTNS (cystinosin, lysosomal cystine transporter; plus strand). Cytogenetic location: 17p13.2.
Variant type: single nucleotide variant.
Coding change: c.1A>G on transcript NM_004937.3 (MANE Select); coding-DNA position 1, A replaced by G.
Protein change: p.Met1Val; changes the start codon (methionine 1).
Molecular consequence: missense variant, initiator codon variant. On other transcripts: 5 prime UTR variant (2), intron variant (2).
Genome position (GRCh38, 1-based): chr17:3,640,207, A>G. VCF-style: chr17-3640207-A-G. GRCh37 (hg19) VCF-style: chr17-3543501-A-G.
Other names: c.1A>G, p.Met1Val (NM_001031681.3, NM_001374492.1); c.-356A>G (NM_001374493.1); c.-277A>G (NM_001374495.1); c.-381+2891A>G (NM_001374494.1); c.-296+2891A>G (NM_001374496.1); short protein forms M1V.
Identifiers: ClinVar variation 3749449 (VCV003749449.2).
Genomic context (GRCh38, chr17:3,640,207, plus strand): 5'-AACATTCCCCTGAACTTCTCTCTTGCTGTTTTTCTTCCTAGTTCTGAGAAATCGAGAAAC[A>G]TGATAAGGAATTGGCTGACTATTTTTATCCTTTTTCCCCTGAAGCTCGTAGAGAAATGTG-3'
Protein context (NP_004928.2, residues 1-11): [Met1Val]IRNWLTIFIL

ClinVar aggregate classification (germline): Pathogenic (1 of 4 stars; one submission).

Conditions:
Inborn genetic diseases. Identifiers: MedGen C0950123, MeSH D030342.
Ocular cystinosis. Also called: Non-Nephropathic Cystinosis; Non-Nephropathic (Ocular) Cystinosis. Identifiers: Orphanet 213, Orphanet 411641, MedGen C2931013, MONDO:0009064, OMIM 219750.
Juvenile nephropathic cystinosis. Also called: Intermediate Cystinosis; CYSTINOSIS, LATE-ONSET JUVENILE OR ADOLESCENT NEPHROPATHIC TYPE; Later-Onset (Juvenile) Cystinosis. Identifiers: Orphanet 213, Orphanet 411634, MedGen C0268626, MONDO:0009066, OMIM 219900.

Submission:

Labcorp Genetics (formerly Invitae), Labcorp
Classification: Pathogenic for Inborn genetic diseases; Ocular cystinosis; Juvenile nephropathic cystinosis. Last evaluated: 2024-03-16. Review status: criteria provided, single submitter. Criteria: Invitae Variant Classification Sherloc (09022015). Collection method: clinical testing. Allele origin: germline.
Comment: This sequence change affects the initiator methionine of the CTNS mRNA. The next in-frame methionine is located at codon 148. This variant is not present in population databases (gnomAD no frequency). Disruption of the initiator codon has been observed in individuals with clinical features of cystinosis (PMID: 12442267). This variant disrupts a region of the CTNS protein in which other variant(s) (p.Ser139Phe) have been determined to be pathogenic (PMID: 10556299, 15128704, 18178779, 19863563, 31074291). This suggests that this is a clinically significant region of the protein, and that variants that disrupt it are likely to be disease-causing. For these reasons, this variant has been classified as Pathogenic.

Literature cited by the submitters: PubMed 12442267; PubMed 10556299; PubMed 15128704; PubMed 18178779; PubMed 19863563; PubMed 31074291.